The following is an entry in ClinVar:

NM_002473.6(MYH9):c.2707C>G (p.Arg903Gly)

Genes: MYH9 (myosin heavy chain 9; minus strand), LOC126863137 (CDK7 strongly-dependent group 2 enhancer GRCh37_chr22:36696002-36697201; plus strand). Cytogenetic location: 22q12.3.
Variant type: single nucleotide variant.
Coding change: c.2707C>G on transcript NM_002473.6 (MANE Select); coding-DNA position 2707, C replaced by G.
Protein change: p.Arg903Gly; replaces arginine 903 with glycine.
Molecular consequence: missense variant.
Genome position (GRCh38, 1-based): chr22:36,300,982, G>C on the plus strand (C>G on the coding strand, the complement: MYH9 is on the minus strand). VCF-style: chr22-36300982-G-C. GRCh37 (hg19) VCF-style: chr22-36697028-G-C.
Other names: short protein forms R903G.
Identifiers: ClinVar variation 1703776 (VCV001703776.2), dbSNP rs2146343691, ClinGen allele CA411393397.

ClinVar aggregate classification (germline): Likely pathogenic (1 of 4 stars; one submission).

Conditions:
Macrothrombocytopenia and granulocyte inclusions with or without nephritis or sensorineural hearing loss (MATINS). Also called: ALPORT SYNDROME WITH MACROTHROMBOCYTOPENIA; Fechtner syndrome; Epstein syndrome; Giant platelet syndrome with thrombocytopenia; SEBASTIAN PLATELET SYNDROME; MACROTHROMBOCYTOPENIA WITH DISPERSED LEUKOCYTIC INCLUSIONS. Identifiers: Orphanet 182050, MedGen C5200934, MONDO:0015912, OMIM 155100.

Submission:

ISTH-SSC Genomics in Thrombosis and Hemostasis, KU Leuven, Center for Molecular and Vascular Biology
Classification: Likely pathogenic for Macrothrombocytopenia and granulocyte inclusions with or without nephritis or sensorineural hearing loss. Review status: criteria provided, single submitter. Criteria: ACMG Guidelines, 2015. Collection method: clinical testing. Allele origin: germline. Affected: yes. Observed: 1 heterozygote.
Comment: Submitted to GoldVariant by Jose María Bastida and José Rivera; Grupo Español de Alteraciones Plaquetarias Congénitas (GEAPC)